The following is an entry in ClinVar:

ClinVar aggregate classification (germline): Pathogenic (1 of 4 stars; one submission).

Conditions:
Duchenne muscular dystrophy (DMD). Also called: MUSCULAR DYSTROPHY, PSEUDOHYPERTROPHIC PROGRESSIVE, DUCHENNE TYPE; Duchenne Muscular Dystrophy (DMD). Identifiers: Orphanet 98896, MedGen C0013264, MONDO:0010679, OMIM 310200.

Submission:

Labcorp Genetics (formerly Invitae), Labcorp
Classification: Pathogenic for Duchenne muscular dystrophy. Last evaluated: 2023-10-16. Review status: criteria provided, single submitter. Criteria: Invitae Variant Classification Sherloc (09022015). Collection method: clinical testing. Allele origin: unknown.
Comment: This variant results in a copy number gain of the genomic region encompassing exon(s) 43 of the DMD gene. While the exact position of this variant cannot be determined from the data, sub-genic copy number gains are generally in tandem (PMID: 25640679). This variant is predicted to be out-of-frame, and may result in an absent or disrupted protein product. Loss-of-function variants in DMD are known to be pathogenic (PMID: 16770791, 25007885). A similar copy number variant has been observed in individuals with Duchenne or Becker muscular dystrophy (PMID: 12111668, 18752307). For these reasons, this variant has been classified as Pathogenic.

Literature cited by the submitters: PubMed 25640679; PubMed 16770791; PubMed 25007885; PubMed 12111668; PubMed 18752307.

NC_000023.10:g.(?_32305626)_(32305838_?)dup

Gene: DMD (dystrophin; minus strand). Cytogenetic location: Xp21.1.
Variant type: Duplication.
Identifiers: ClinVar variation 3242690 (VCV003242690.1).